The following is an entry in ClinVar:

NM_174936.4(PCSK9):c.655C>T (p.Gln219Ter)

Gene: PCSK9 (proprotein convertase subtilisin/kexin type 9; plus strand). Cytogenetic location: 1p32.3.
Variant type: single nucleotide variant.
Coding change: c.655C>T on transcript NM_174936.4 (MANE Select); coding-DNA position 655, C replaced by T.
Protein change: p.Gln219Ter; replaces glutamine 219 with a stop codon.
Molecular consequence: nonsense. On other transcripts: non-coding transcript variant (8).
Genome position (GRCh38, 1-based): chr1:55,052,409, C>T. VCF-style: chr1-55052409-C-T. GRCh37 (hg19) VCF-style: chr1-55518082-C-T.
Other names: c.655C>T, p.Gln219Ter (NM_001407241.1, NM_001407242.1, NM_001407247.1 and 1 more transcripts); c.280C>T, p.Gln94Ter (NM_001407246.1); c.598C>T, p.Gln200Ter (NM_001407243.1); c.463C>T, p.Gln155Ter (NM_001407245.1); c.778C>T, p.Gln260Ter (NM_001407240.1); short protein forms Q155*, Q200*, Q219*, Q260*, Q94*.
Identifiers: ClinVar variation 3069981 (VCV003069981.1), dbSNP rs778617372, ClinGen allele CA340473654.
Genomic context (GRCh38, chr1:55,052,409, plus strand): 5'-AGGGTCATGGTCACCGACTTCGAGAATGTGCCCGAGGAGGACGGGACCCGCTTCCACAGA[C>T]AGGTAAGCACGGCCGTCTGATGGGAGGGCTGCCTCTGCCCATATCCCCATCCTGGAGGTG-3'

ClinVar aggregate classification (germline): Likely benign (1 of 4 stars; one submission).

Conditions:
Hypercholesterolemia, autosomal dominant, 3 (FHCL3). Also called: PCSK9-Related Familial Hypercholesterolemia, Autosomal Dominant; Familial Hypercholesterolemia, Autosomal Dominant, 3; Familial hypercholesterolemia 3. Identifiers: MedGen C1863551, MONDO:0011369, OMIM 603776.

gnomAD v4.1: 2 of 1,613,780 alleles (0.00012%); highest among the groups gnomAD compares: Non-Finnish European, 0.00017%; no homozygotes.

Submission:

All of Us Research Program, National Institutes of Health
Classification: Likely benign for Hypercholesterolemia, autosomal dominant, 3. Last evaluated: 2023-03-23. Review status: criteria provided, single submitter. Criteria: ACMG Guidelines, 2015. Collection method: clinical testing. Allele origin: germline. Inheritance: Autosomal dominant inheritance. Observed: 1 variant allele, 1 heterozygote.
Comment: This study involves interpretation of variants in research participants for the purpose of population health screening. Participant phenotype was not available at the time of variant classification. Additional details can be found in publication PMID: 35346344, PMCID: PMC8962531